The following is an entry in ClinVar:

NM_015557.3(CHD5):c.2206A>G (p.Ile736Val)

Gene: CHD5 (chromodomain helicase DNA binding protein 5; minus strand). Cytogenetic location: 1p36.31.
Variant type: single nucleotide variant.
Coding change: c.2206A>G on transcript NM_015557.3 (MANE Select); coding-DNA position 2206, A replaced by G.
Protein change: p.Ile736Val; replaces isoleucine 736 with valine.
Molecular consequence: missense variant.
Genome position (GRCh38, 1-based): chr1:6,142,443, T>C on the plus strand (A>G on the coding strand, the complement: CHD5 is on the minus strand). VCF-style: chr1-6142443-T-C. GRCh37 (hg19) VCF-style: chr1-6202503-T-C.
Other names: short protein forms I736V.
Identifiers: ClinVar variation 5006949 (VCV005006949.2).

ClinVar aggregate classification (germline): Uncertain significance (1 of 4 stars; one submission).

Conditions:
Parenti-mignot neurodevelopmental syndrome. Identifiers: MedGen C5676984, MONDO:0859249, OMIM 619873.

gnomAD v4.1: 14 of 1,612,146 alleles (0.00087%); highest among the groups gnomAD compares: Non-Finnish European, 0.0012%; no homozygotes.

Submission:

Juno Genomics, Hangzhou Juno Genomics, Inc
Classification: Uncertain significance for Parenti-mignot neurodevelopmental syndrome. Review status: criteria provided, single submitter. Criteria: ACMG Guidelines, 2015. Collection method: clinical testing. Allele origin: germline.
Comment: Missense variant in a gene that has a low rate of benign missense variation.;Multiple lines of computational evidence support a deleterious effect on the gene or gene product.;Absent from controls (or at extremely low frequency if recessive) in Genome Aggregation Database.